The following is an entry in ClinVar:

NM_000395.3(CSF2RB):c.2124del (p.Ser709fs)

Gene: CSF2RB (colony stimulating factor 2 receptor subunit beta; plus strand). Cytogenetic location: 22q12.3.
Variant type: Deletion.
Coding change: c.2124del on transcript NM_000395.3 (MANE Select); coding-DNA position 2124, one base deleted (C; older notation c.2124delC).
Protein change: p.Ser709fs; shifts the reading frame from serine 709.
Molecular consequence: frameshift variant.
Genome position (GRCh38, 1-based): chr22:36,937,932, C deleted; the last of 2 consecutive C bases (chr22:36,937,931-36,937,932); deleting either gives the same sequence. VCF-style (leftmost placement, unchanged base first): chr22-36937930-GC-G. GRCh37 (hg19) VCF-style: chr22-37333972-GC-G.
Other names: c.2124del (NM_000395.2); short protein forms S709fs.
Identifiers: ClinVar variation 402566 (VCV000402566.21), dbSNP rs568607741, ClinGen allele CA10214042.

ClinVar aggregate classification (germline): Conflicting classifications of pathogenicity. Review status: criteria provided, conflicting classifications (1 of 4 stars). 4 submissions from 4 submitters: Uncertain significance (3); Benign (1). Last evaluated 2026-04-01.

Conditions:
Primary ciliary dyskinesia. Also called: Ciliary dyskinesia. Identifiers: Orphanet 244, MedGen C0008780, MONDO:0016575, HP:0012265.

Submissions (4):

Department of Human Genetics, Hannover Medical School
Classification: Uncertain significance for Primary Ciliary Dyskinesia. Last evaluated: 2026-04-01. Review status: criteria provided, single submitter. Criteria: ACMG Guidelines, 2015. Collection method: research. Allele origin: germline. Affected: no.
Comment: Classification performed by HerediClassify using the following criteria:['PVS1_protein_strong: Transcript ENST00000403662 is not predicted to undergo NMD. Protein length change of 0.18729096989966554 observed.']

Labcorp Genetics (formerly Invitae), Labcorp
Classification: Benign. Last evaluated: 2026-01-20. Review status: criteria provided, single submitter. Criteria: Invitae Variant Classification Sherloc (09022015). Collection method: clinical testing. Allele origin: germline.

GeneDx
Classification: Uncertain significance. Last evaluated: 2025-07-17. Review status: criteria provided, single submitter. Criteria: GeneDx Variant Classification Process June 2021. Collection method: clinical testing. Allele origin: germline. Affected: yes.
Comment: Published functional studies suggest a damaging effect, as intestinal monocytes from carriers of this variant had reduced responses to granulocyte-macrophage colony-stimulating factor (PMID: 27377463); Frameshift variant predicted to result in abnormal protein length as the last 189 amino acid(s) are replaced with 21 different amino acid(s); This variant is associated with the following publications: (PMID: 34426522, 27373512, 34662886, 27377463)

Laboratory for Molecular Medicine, Mass General Brigham Personalized Medicine
Classification: Uncertain significance. Last evaluated: 2016-05-05. Review status: criteria provided, single submitter. Criteria: LMM Criteria. Collection method: clinical testing. Allele origin: germline.
Comment: Variant identified in a genome or exome case(s) and assessed due to predicted null impact of the variant or pathogenic assertions in the literature or databases. Disclaimer: This variant has not undergone full assessment. The following are preliminary notes: Gene associated with Pulmonary alveolar proteinosis, but frequency is too high for disorder, and this is a frameshift in the last exon. Limited evidence for gene-disease association. One LOF variant has been reported, but frequency of this variant is too high for pathogenic role in this disease.